The following is an entry in ClinVar:

ClinVar aggregate classification (germline): Conflicting classifications of pathogenicity. Review status: criteria provided, conflicting classifications (1 of 4 stars). 4 submissions from 4 submitters: Likely pathogenic (3); Uncertain significance (1). Last evaluated 2025-03-06.

Conditions:
Immunodeficiency, common variable, 12 (CVID12). Also called: NFKB1 DEFICIENCY; IMMUNODEFICIENCY, COMMON VARIABLE, 12, WITH AUTOIMMUNITY. Identifiers: Orphanet 1572, Orphanet 696874, MedGen C4225277, MONDO:0014697, OMIM 616576.

Submissions (4):

GeneDx
Classification: Likely pathogenic. Last evaluated: 2025-03-06. Review status: criteria provided, single submitter. Criteria: GeneDx Variant Classification Process June 2021. Collection method: clinical testing. Allele origin: germline. Affected: yes.
Comment: Canonical splice site variant predicted to result in an in-frame loss of the adjacent exon in a gene for which loss of function is a known mechanism of disease; Not observed at significant frequency in large population cohorts (gnomAD); Has been reported in a adult patient with a reported clinical diagnosis of common variable immunodeficiency with history of upper respiratory tract infections (PMID: 32278790); This variant is associated with the following publications: (PMID: 32278790, 29477724, 26279205)

Labcorp Genetics (formerly Invitae), Labcorp
Classification: Likely pathogenic. Last evaluated: 2024-09-11. Review status: criteria provided, single submitter. Criteria: Invitae Variant Classification Sherloc (09022015). Collection method: clinical testing. Allele origin: germline.
Comment: This sequence change affects a donor splice site in intron 12 of the NFKB1 gene. It is expected to disrupt RNA splicing. Variants that disrupt the donor or acceptor splice site typically lead to a loss of protein function (PMID: 16199547), and loss-of-function variants in NFKB1 are known to be pathogenic (PMID: 26279205, 29477724). This variant is not present in population databases (gnomAD no frequency). Disruption of this splice site has been observed in individual(s) with NKFB1 deficiency (PMID: 32278790). ClinVar contains an entry for this variant (Variation ID: 1328476). Algorithms developed to predict the effect of sequence changes on RNA splicing suggest that this variant may disrupt the consensus splice site. In summary, the currently available evidence indicates that the variant is pathogenic, but additional data are needed to prove that conclusively. Therefore, this variant has been classified as Likely Pathogenic.

CeGaT Center for Human Genetics Tuebingen
Classification: Uncertain significance. Last evaluated: 2024-03-01. Review status: criteria provided, single submitter. Criteria: CeGaT Center For Human Genetics Tuebingen Variant Classification Criteria Version 2. Collection method: clinical testing. Allele origin: germline. Affected: yes. Observed: 3 variant alleles.
Comment: NFKB1: PM2, PVS1:Moderate

Institute of Human Genetics, Cologne University
Classification: Likely pathogenic for Immunodeficiency, common variable, 12. Last evaluated: 2021-11-19. Review status: criteria provided, single submitter. Criteria: ACMG Guidelines, 2015. Collection method: clinical testing. Allele origin: unknown.

Literature cited by the submitters: PubMed 16199547 (cited by Labcorp Genetics (formerly Invitae), Labcorp); PubMed 26279205 (cited by Labcorp Genetics (formerly Invitae), Labcorp); PubMed 29477724 (cited by Labcorp Genetics (formerly Invitae), Labcorp); PubMed 32278790 (cited by Labcorp Genetics (formerly Invitae), Labcorp).

NM_003998.4(NFKB1):c.1210+1G>A

Gene: NFKB1 (nuclear factor kappa B subunit 1; plus strand). Cytogenetic location: 4q24.
Variant type: single nucleotide variant.
Coding change: c.1210+1G>A on transcript NM_003998.4 (MANE Select); the canonical splice donor site of the intron after coding-DNA position 1210, G replaced by A.
Molecular consequence: splice donor variant.
Genome position (GRCh38, 1-based): chr4:102,593,569, G>A. VCF-style: chr4-102593569-G-A. GRCh37 (hg19) VCF-style: chr4-103514726-G-A.
Other names: c.1210+1G>A (NM_001382626.1, NM_001382625.1); c.1207+1G>A (NM_001382627.1, NM_001165412.2, NM_001319226.2); c.1168+1G>A (NM_001382628.1).
Identifiers: ClinVar variation 1328476 (VCV001328476.33), dbSNP rs2149203552, ClinGen allele CA357750575.